The following is an entry in ClinVar:

NM_001378454.1(ALMS1):c.622_623del (p.Asp208fs)

Gene: ALMS1 (ALMS1 centrosome and basal body associated protein; plus strand). Cytogenetic location: 2p13.1.
Variant type: Microsatellite.
Coding change: c.622_623del on transcript NM_001378454.1 (MANE Select); coding-DNA positions 622 to 623, 2 bases deleted (GA; older notation c.622_623delGA).
Protein change: p.Asp208fs; shifts the reading frame from aspartic acid 208.
Molecular consequence: frameshift variant.
Genome position (GRCh38, 1-based): chr2:73,419,294-73,419,295, GA deleted; deleting any 2 consecutive bases within chr2:73,419,291-73,419,295 gives the same sequence; the c. name uses the placement nearest the transcript's 3' end. VCF-style (leftmost placement, unchanged base first): chr2-73419290-CAG-C. GRCh37 (hg19) VCF-style: chr2-73646418-CAG-C.
Other names: c.625_626del, p.Asp209fs (NM_015120.4); short protein forms D209fs, D208fs.
Identifiers: ClinVar variation 2122917 (VCV002122917.4), dbSNP rs1670037662, ClinGen allele CA1260944686.

ClinVar aggregate classification (germline): Pathogenic (1 of 4 stars; one submission).

Conditions:
Alstrom syndrome (ALMS). Identifiers: Orphanet 64, MedGen C0268425, MONDO:0008763, OMIM 203800.

Submission:

Labcorp Genetics (formerly Invitae), Labcorp
Classification: Pathogenic for Alstrom syndrome. Last evaluated: 2022-04-08. Review status: criteria provided, single submitter. Criteria: Invitae Variant Classification Sherloc (09022015). Collection method: clinical testing. Allele origin: germline.
Comment: This sequence change creates a premature translational stop signal (p.Asp209Serfs*12) in the ALMS1 gene. It is expected to result in an absent or disrupted protein product. Loss-of-function variants in ALMS1 are known to be pathogenic (PMID: 17594715). This variant is not present in population databases (gnomAD no frequency). This variant has not been reported in the literature in individuals affected with ALMS1-related conditions. For these reasons, this variant has been classified as Pathogenic.

Literature cited by the submitters: PubMed 17594715.